The following is an entry in ClinVar:

NM_002715.4(PPP2CA):c.103-3T>C

Gene: PPP2CA (protein phosphatase 2 catalytic subunit alpha; minus strand). Cytogenetic location: 5q31.1.
Variant type: single nucleotide variant.
Coding change: c.103-3T>C on transcript NM_002715.4 (MANE Select); 3 bases into the intron before coding-DNA position 103, T replaced by C.
Molecular consequence: intron variant.
Genome position (GRCh38, 1-based): chr5:134,206,134, A>G on the plus strand (T>C on the coding strand, the complement: PPP2CA is on the minus strand). VCF-style: chr5-134206134-A-G. GRCh37 (hg19) VCF-style: chr5-133541825-A-G.
Other names: c.-93-3T>C (NM_001355019.2).
Identifiers: ClinVar variation 1482462 (VCV001482462.6), dbSNP rs752451431, ClinGen allele CA3412884.

ClinVar aggregate classification (germline): Uncertain significance (1 of 4 stars; one submission).

Allele frequency attached by ClinVar (database versions not stated): gnomAD exomes below 0.00001; ExAC 0.00001.

Submission:

Labcorp Genetics (formerly Invitae), Labcorp
Classification: Uncertain significance. Last evaluated: 2022-03-19. Review status: criteria provided, single submitter. Criteria: Invitae Variant Classification Sherloc (09022015). Collection method: clinical testing. Allele origin: germline.
Comment: This variant is present in population databases (rs752451431, gnomAD 0.007%). This sequence change falls in intron 1 of the PPP2CA gene. It does not directly change the encoded amino acid sequence of the PPP2CA protein. It affects a nucleotide within the consensus splice site. Variants that disrupt the consensus splice site are a relatively common cause of aberrant splicing (PMID: 17576681, 9536098). Algorithms developed to predict the effect of sequence changes on RNA splicing suggest that this variant is not likely to affect RNA splicing. This variant has not been reported in the literature in individuals affected with PPP2CA-related conditions. In summary, the available evidence is currently insufficient to determine the role of this variant in disease. Therefore, it has been classified as a Variant of Uncertain Significance.

Literature cited by the submitters: PubMed 17576681; PubMed 9536098.